The following is an entry in ClinVar:

ClinVar aggregate classification (germline): Likely benign. Review status: criteria provided, multiple submitters, no conflicts (2 of 4 stars). 2 submissions from 2 submitters: Likely benign (2). Last evaluated 2018-06-14.

Allele frequency attached by ClinVar (database versions not stated): 1000 Genomes Project 0.02356; 1000 Genomes Project 30x 0.02374; TOPMed 0.02911; gnomAD 0.03020 and 0.03058.
gnomAD v4.1: 55,316 of 1,394,048 alleles (4%); highest among the groups gnomAD compares: Non-Finnish European, 4.6%; 1,283 homozygotes.

Submissions (2):

GeneDx
Classification: Likely benign. Last evaluated: 2018-06-14. Review status: criteria provided, single submitter. Criteria: GeneDx Variant Classification (06012015). Collection method: clinical testing. Allele origin: germline. Affected: yes.
Comment: This variant is considered likely benign or benign based on one or more of the following criteria: it is a conservative change, it occurs at a poorly conserved position in the protein, it is predicted to be benign by multiple in silico algorithms, and/or has population frequency not consistent with disease.

Breakthrough Genomics
Classification: Likely benign. Review status: criteria provided, single submitter. Criteria: ACMG Guidelines, 2015. Collection method: not provided. Allele origin: germline. Inheritance: Autosomal dominant inheritance. Affected: yes.

NM_000093.5(COL5A1):c.1827+94G>T

Gene: COL5A1 (collagen type V alpha 1 chain; plus strand). Cytogenetic location: 9q34.3.
Variant type: single nucleotide variant.
Coding change: c.1827+94G>T on transcript NM_000093.5 (MANE Select); 94 bases into the intron after coding-DNA position 1827, G replaced by T.
Molecular consequence: intron variant.
Genome position (GRCh38, 1-based): chr9:134,754,420, G>T. VCF-style: chr9-134754420-G-T. GRCh37 (hg19) VCF-style: chr9-137646266-G-T.
Other names: c.1827+94G>T (NM_001278074.1).
Identifiers: ClinVar variation 673788 (VCV000673788.2), dbSNP rs78098946, ClinGen allele CA13060255.